The following is an entry in ClinVar:

ClinVar aggregate classification (germline): Likely pathogenic (1 of 4 stars; one submission).

Conditions:
Autosomal recessive nonsyndromic hearing loss 21. Identifiers: Orphanet 90636, MedGen C1863655, MONDO:0011351, OMIM 603629.

Submission:

Variantyx, Inc.
Classification: Likely pathogenic for Autosomal recessive nonsyndromic hearing loss 21. Last evaluated: 2025-07-17. Review status: criteria provided, single submitter. Criteria: Variantyx Assertion Criteria 2022. Collection method: clinical testing. Allele origin: germline. Inheritance: Autosomal recessive inheritance. Affected: no.
Comment: This is a nonsense variant in the TECTA gene (OMIM: 602574). Pathogenic variants in this gene have been associated with autosomal recessive hearing loss 21. This variant introduces a premature termination codon in exon 7 out of 24 and is expected to result in loss of function, which is a known disease mechanism for TECTA in this disorder (PMID: 17431902) (PVS1). This variant is absent from control populations (PM2). Based on the current evidence, this variant is classified as likely pathogenic for autosomal recessive hearing loss 21.

Literature cited by the submitters: PubMed 17431902.

NM_005422.4(TECTA):c.952G>T (p.Glu318Ter)

Genes: TBCEL-TECTA (TBCEL-TECTA readthrough; plus strand), TECTA (tectorin alpha; plus strand). Cytogenetic location: 11q23.3.
Variant type: single nucleotide variant.
Coding change: c.952G>T on transcript NM_005422.4 (MANE Select); coding-DNA position 952, G replaced by T.
Protein change: p.Glu318Ter; replaces glutamic acid 318 with a stop codon.
Molecular consequence: nonsense.
Genome position (GRCh38, 1-based): chr11:121,118,467, G>T. VCF-style: chr11-121118467-G-T. GRCh37 (hg19) VCF-style: chr11-120989176-G-T.
Other names: c.1909G>T, p.Glu637Ter (NM_001378761.1); short protein forms E318*, E637*.
Identifiers: ClinVar variation 4850189 (VCV004850189.1).
Genomic context (GRCh38, chr11:121,118,467, plus strand): 5'-TCCTGTAGCCCCTACGAGGTGTGCGAACCCAAAGGCAAATTCTTCTACTGCAGCGCTGTG[G>T]AGACCAGCACATGCGTGGTGTTTGGGGAGCCACACTACCACACTTTTGACGGCTTCCTCT-3'